The following is an entry in ClinVar:

ClinVar aggregate classification (germline): Uncertain significance. Review status: criteria provided, multiple submitters, no conflicts (2 of 4 stars). 2 submissions from 2 submitters: Uncertain significance (2). Last evaluated 2025-10-07.

Conditions:
Spondylodysplastic Ehlers-Danlos syndrome. Identifiers: Orphanet 536471, Orphanet 75496, MedGen C5680154, MONDO:0007526.

Allele frequency attached by ClinVar (database versions not stated): gnomAD exomes 0.00004 and 0.00006; TOPMed 0.00006; ESP Exome Variant Server 0.00008; gnomAD 0.00005 and 0.00006; ExAC 0.00006.
gnomAD v4.1: 87 of 1,611,970 alleles (0.0054%); highest among the groups gnomAD compares: East Asian, 0.018%; no homozygotes.

Submissions (2):

Women's Health and Genetics/Laboratory Corporation of America, LabCorp
Classification: Uncertain significance. Last evaluated: 2025-10-07. Review status: criteria provided, single submitter. Criteria: LabCorp Variant Classification Summary - May 2015. Collection method: clinical testing. Allele origin: germline.
Comment: Variant summary: B4GALT7 c.809G>A (p.Arg270His) results in a non-conservative amino acid change in the encoded protein sequence. Algorithms developed to predict the effect of missense changes on protein structure and function are either unavailable or do not agree on the potential impact of this missense change. The variant allele was found at a frequency of 3.6e-05 in 249060 control chromosomes (gnomAD). The available data on variant occurrences in the general population are insufficient to allow any conclusion about variant significance. To our knowledge, no occurrence of c.809G>A in individuals affected with B4GALT7-related conditions and no experimental evidence demonstrating its impact on protein function have been reported. ClinVar contains an entry for this variant (Variation ID: 1399801). Based on the evidence outlined above, the variant was classified as uncertain significance.

Labcorp Genetics (formerly Invitae), Labcorp
Classification: Uncertain significance for Spondylodysplastic Ehlers-Danlos syndrome. Last evaluated: 2022-03-17. Review status: criteria provided, single submitter. Criteria: Invitae Variant Classification Sherloc (09022015). Collection method: clinical testing. Allele origin: germline.
Comment: This sequence change replaces arginine, which is basic and polar, with histidine, which is basic and polar, at codon 270 of the B4GALT7 protein (p.Arg270His). In summary, the available evidence is currently insufficient to determine the role of this variant in disease. Therefore, it has been classified as a Variant of Uncertain Significance. This variant disrupts the p.Arg270 amino acid residue in B4GALT7. Other variant(s) that disrupt this residue have been determined to be pathogenic (PMID: 15211654, 24755949, 25533962, 31278392). This suggests that this residue is clinically significant, and that variants that disrupt this residue are likely to be disease-causing. Algorithms developed to predict the effect of missense changes on protein structure and function are either unavailable or do not agree on the potential impact of this missense change (SIFT: "Deleterious"; PolyPhen-2: "Probably Damaging"; Align-GVGD: "Class C0"). This variant has not been reported in the literature in individuals affected with B4GALT7-related conditions. This variant is present in population databases (rs369752734, gnomAD 0.02%).

Literature cited by the submitters: PubMed 15211654 (cited by Labcorp Genetics (formerly Invitae), Labcorp); PubMed 24755949 (cited by Labcorp Genetics (formerly Invitae), Labcorp); PubMed 25533962 (cited by Labcorp Genetics (formerly Invitae), Labcorp); PubMed 31278392 (cited by Labcorp Genetics (formerly Invitae), Labcorp).

NM_007255.3(B4GALT7):c.809G>A (p.Arg270His)

Gene: B4GALT7 (beta-1,4-galactosyltransferase 7; plus strand). Cytogenetic location: 5q35.3.
Variant type: single nucleotide variant.
Coding change: c.809G>A on transcript NM_007255.3 (MANE Select); coding-DNA position 809, G replaced by A.
Protein change: p.Arg270His; replaces arginine 270 with histidine.
Molecular consequence: missense variant.
Genome position (GRCh38, 1-based): chr5:177,608,995, G>A. VCF-style: chr5-177608995-G-A. GRCh37 (hg19) VCF-style: chr5-177035996-G-A.
Other names: short protein forms R270H.
Identifiers: ClinVar variation 1399801 (VCV001399801.7), dbSNP rs369752734, ClinGen allele CA3586690.